The following is an entry in ClinVar:

NM_001195129.2(PRSS56):c.1504G>A (p.Ala502Thr)

Gene: PRSS56 (serine protease 56; plus strand). Cytogenetic location: 2q37.1.
Variant type: single nucleotide variant.
Coding change: c.1504G>A on transcript NM_001195129.2 (MANE Select); coding-DNA position 1504, G replaced by A.
Protein change: p.Ala502Thr; replaces alanine 502 with threonine.
Molecular consequence: missense variant.
Genome position (GRCh38, 1-based): chr2:232,524,827, G>A. VCF-style: chr2-232524827-G-A. GRCh37 (hg19) VCF-style: chr2-233389537-G-A.
Other names: c.1504G>A (NM_001195129.1); c.1507G>A, p.Ala503Thr (NM_001369848.1); short protein forms A502T, A503T.
Identifiers: ClinVar variation 2202062 (VCV002202062.5), dbSNP rs925616470, ClinGen allele CA66949516.

ClinVar aggregate classification (germline): Uncertain significance. Review status: criteria provided, multiple submitters, no conflicts (2 of 4 stars). 2 submissions from 2 submitters: Uncertain significance (2). Last evaluated 2025-09-02.

Conditions:
Inborn genetic diseases. Identifiers: MedGen C0950123, MeSH D030342.
Isolated microphthalmia 6. Also called: MICROPHTHALMIA, POSTERIOR NONSYNDROMIC. Identifiers: Orphanet 2542, MedGen C3150757, MONDO:0013293, OMIM 613517.

Allele frequency attached by ClinVar (database versions not stated): gnomAD 0.00001; gnomAD exomes 0.00001; TOPMed 0.00003.
gnomAD v4.1: 13 of 1,535,302 alleles (0.00085%); highest among the groups gnomAD compares: Admixed American, 0.012%; no homozygotes.

Submissions (2):

Labcorp Genetics (formerly Invitae), Labcorp
Classification: Uncertain significance for Isolated microphthalmia 6. Last evaluated: 2025-09-02. Review status: criteria provided, single submitter. Criteria: Invitae Variant Classification Sherloc (09022015). Collection method: clinical testing. Allele origin: germline.
Comment: This sequence change replaces alanine, which is neutral and non-polar, with threonine, which is neutral and polar, at codon 502 of the PRSS56 protein (p.Ala502Thr). This variant is present in population databases (no rsID available, gnomAD 0.02%). This variant has not been reported in the literature in individuals affected with PRSS56-related conditions. ClinVar contains an entry for this variant (Variation ID: 2202062). An algorithm developed to predict the effect of missense changes on protein structure and function outputs the following: PolyPhen-2: "Not Available". The threonine amino acid residue is found in multiple mammalian species, which suggests that this missense change does not adversely affect protein function. In summary, the available evidence is currently insufficient to determine the role of this variant in disease. Therefore, it has been classified as a Variant of Uncertain Significance.

Ambry Genetics
Classification: Uncertain significance for Inborn genetic diseases. Last evaluated: 2025-06-18. Review status: criteria provided, single submitter. Criteria: Ambry Variant Classification Scheme 2023. Collection method: clinical testing. Allele origin: germline.